The following is an entry in ClinVar:

NM_020247.5(COQ8A):c.919A>G (p.Met307Val)

Gene: COQ8A (coenzyme Q8A; plus strand). Cytogenetic location: 1q42.13.
Variant type: single nucleotide variant.
Coding change: c.919A>G on transcript NM_020247.5 (MANE Select); coding-DNA position 919, A replaced by G.
Protein change: p.Met307Val; replaces methionine 307 with valine.
Molecular consequence: missense variant.
Genome position (GRCh38, 1-based): chr1:226,982,743, A>G. VCF-style: chr1-226982743-A-G. GRCh37 (hg19) VCF-style: chr1-227170444-A-G.
Other names: short protein forms M307V.
Identifiers: ClinVar variation 2120628 (VCV002120628.4), dbSNP rs1659780541, ClinGen allele CA345052374.
Genomic context (GRCh38, chr1:226,982,743, plus strand): 5'-GCCTTTATCAACCCCCACCTGGCTAAGATCTTCGAGCGGGTGCGGCAGAGCGCGGACTTC[A>G]TGCCACTGAAGCAGATGATGGTGAGGAGCCAGGGGCTCTGCCCACTCTCTGTGGCCTCGG-3'
Protein context (NP_064632.2, residues 297-317): FERVRQSADF[Met307Val]PLKQMMKTLN

ClinVar aggregate classification (germline): Uncertain significance (1 of 4 stars; one submission).

Allele frequency attached by ClinVar (database versions not stated): gnomAD exomes below 0.00001.
gnomAD v4.1: 1 of 1,613,656 alleles (0.000062%); highest among the groups gnomAD compares: Non-Finnish European, 0.000085%; no homozygotes.

Submission:

Labcorp Genetics (formerly Invitae), Labcorp
Classification: Uncertain significance. Last evaluated: 2022-04-01. Review status: criteria provided, single submitter. Criteria: Invitae Variant Classification Sherloc (09022015). Collection method: clinical testing. Allele origin: germline.
Comment: In summary, the available evidence is currently insufficient to determine the role of this variant in disease. Therefore, it has been classified as a Variant of Uncertain Significance. Advanced modeling of protein sequence and biophysical properties (such as structural, functional, and spatial information, amino acid conservation, physicochemical variation, residue mobility, and thermodynamic stability) performed at Invitae indicates that this missense variant is expected to disrupt COQ8A protein function. This variant has not been reported in the literature in individuals affected with COQ8A-related conditions. This variant is not present in population databases (gnomAD no frequency). This sequence change replaces methionine, which is neutral and non-polar, with valine, which is neutral and non-polar, at codon 307 of the COQ8A protein (p.Met307Val).